The following is an entry in ClinVar:

NM_003995.4(NPR2):c.1103T>C (p.Met368Thr)

Gene: NPR2 (natriuretic peptide receptor 2; plus strand). Cytogenetic location: 9p13.3.
Variant type: single nucleotide variant.
Coding change: c.1103T>C on transcript NM_003995.4 (MANE Select); coding-DNA position 1103, T replaced by C.
Protein change: p.Met368Thr; replaces methionine 368 with threonine.
Molecular consequence: missense variant.
Genome position (GRCh38, 1-based): chr9:35,800,137, T>C. VCF-style: chr9-35800137-T-C. GRCh37 (hg19) VCF-style: chr9-35800134-T-C.
Other names: c.1103T>C, p.Met368Thr (NM_001378923.1); short protein forms M368T.
Identifiers: ClinVar variation 2937613 (VCV002937613.3), dbSNP rs753822520, ClinGen allele CA5051603.

ClinVar aggregate classification (germline): Uncertain significance (1 of 4 stars; one submission).

Conditions:
Acromesomelic dysplasia 1, Maroteaux type (AMD1). Also called: ST. HELENA DYSPLASIA; ACROMESOMELIC DYSPLASIA 1. Identifiers: Orphanet 40, MedGen C1864356, MONDO:0011275, OMIM 602875.
Tall stature-scoliosis-macrodactyly of the great toes syndrome. Also called: Epiphyseal chondrodysplasia, miura type. Identifiers: Orphanet 329191, MedGen C4014690, MONDO:0014401, OMIM 615923.

Allele frequency attached by ClinVar (database versions not stated): gnomAD exomes below 0.00001; ExAC 0.00001.
gnomAD v4.1: 2 of 1,614,004 alleles (0.00012%); highest among the groups gnomAD compares: Admixed American, 0.0033%; no homozygotes.

Submission:

Labcorp Genetics (formerly Invitae), Labcorp
Classification: Uncertain significance for Tall stature-scoliosis-macrodactyly of the great toes syndrome; Acromesomelic dysplasia 1, Maroteaux type. Last evaluated: 2025-01-27. Review status: criteria provided, single submitter. Criteria: Invitae Variant Classification Sherloc (09022015). Collection method: clinical testing. Allele origin: germline.
Comment: This sequence change replaces methionine, which is neutral and non-polar, with threonine, which is neutral and polar, at codon 368 of the NPR2 protein (p.Met368Thr). This variant is present in population databases (rs753822520, gnomAD 0.003%). This variant has not been reported in the literature in individuals affected with NPR2-related conditions. ClinVar contains an entry for this variant (Variation ID: 2937613). Invitae Evidence Modeling of protein sequence and biophysical properties (such as structural, functional, and spatial information, amino acid conservation, physicochemical variation, residue mobility, and thermodynamic stability) indicates that this missense variant is not expected to disrupt NPR2 protein function with a negative predictive value of 80%. In summary, the available evidence is currently insufficient to determine the role of this variant in disease. Therefore, it has been classified as a Variant of Uncertain Significance.